The following is an entry in ClinVar:

ClinVar aggregate classification (germline): Uncertain significance (1 of 4 stars; one submission).

Submission:

Women's Health and Genetics/Laboratory Corporation of America, LabCorp
Classification: Uncertain significance. Last evaluated: 2026-01-19. Review status: criteria provided, single submitter. Criteria: LabCorp Variant Classification Summary - May 2015. Collection method: clinical testing. Allele origin: germline.
Comment: Variant summary: RAI1 c.4265A>G (p.Asp1422Gly) results in a non-conservative amino acid change in the encoded protein sequence. Algorithms developed to predict the effect of missense changes on protein structure and function are either unavailable or do not agree on the potential impact of this missense change. The variant was absent in 251060 control chromosomes. The available data on variant occurrences in the general population are insufficient to allow any conclusion about variant significance. To our knowledge, no occurrence of c.4265A>G in individuals affected with RAI1-related conditions and no experimental evidence demonstrating its impact on protein function have been reported. No submitters have cited clinical-significance assessments for this variant to ClinVar. Based on the evidence outlined above, the variant was classified as uncertain significance.

NM_030665.4(RAI1):c.4265A>G (p.Asp1422Gly)

Gene: RAI1 (retinoic acid induced 1; plus strand). Cytogenetic location: 17p11.2.
Variant type: single nucleotide variant.
Coding change: c.4265A>G on transcript NM_030665.4 (MANE Select); coding-DNA position 4265, A replaced by G.
Protein change: p.Asp1422Gly; replaces aspartic acid 1422 with glycine.
Molecular consequence: missense variant.
Genome position (GRCh38, 1-based): chr17:17,797,213, A>G. VCF-style: chr17-17797213-A-G. GRCh37 (hg19) VCF-style: chr17-17700527-A-G.
Other names: short protein forms D1422G.
Identifiers: ClinVar variation 4689298 (VCV004689298.1).